The following is an entry in ClinVar:

ClinVar aggregate classification (germline): Uncertain significance (1 of 4 stars; one submission).

Conditions:
Hyperkalemic periodic paralysis. Also called: Familial hyperkalemic periodic paralysis; Gamstorp disease. Identifiers: Orphanet 682, MedGen C0238357, MONDO:0008224, OMIM 170500, HP:0007215.

gnomAD v4.1: 1 of 1,614,006 alleles (0.000062%); highest among the groups gnomAD compares: Non-Finnish European, 0.000085%; no homozygotes.

Submission:

Labcorp Genetics (formerly Invitae), Labcorp
Classification: Uncertain significance for Hyperkalemic periodic paralysis. Last evaluated: 2024-01-20. Review status: criteria provided, single submitter. Criteria: Invitae Variant Classification Sherloc (09022015). Collection method: clinical testing. Allele origin: germline.
Comment: This sequence change replaces asparagine, which is neutral and polar, with threonine, which is neutral and polar, at codon 1376 of the SCN4A protein (p.Asn1376Thr). This variant is not present in population databases (gnomAD no frequency). This variant has not been reported in the literature in individuals affected with SCN4A-related conditions. Advanced modeling of protein sequence and biophysical properties (such as structural, functional, and spatial information, amino acid conservation, physicochemical variation, residue mobility, and thermodynamic stability) performed at Invitae indicates that this missense variant is not expected to disrupt SCN4A protein function with a negative predictive value of 95%. In summary, the available evidence is currently insufficient to determine the role of this variant in disease. Therefore, it has been classified as a Variant of Uncertain Significance.

NM_000334.4(SCN4A):c.4127A>C (p.Asn1376Thr)

Genes: GH-LCR (growth hormone locus control region; plus strand), SCN4A (sodium voltage-gated channel alpha subunit 4; minus strand). Cytogenetic location: 17q23.3.
Variant type: single nucleotide variant.
Coding change: c.4127A>C on transcript NM_000334.4 (MANE Select); coding-DNA position 4127, A replaced by C.
Protein change: p.Asn1376Thr; replaces asparagine 1376 with threonine.
Molecular consequence: missense variant.
Genome position (GRCh38, 1-based): chr17:63,942,987, T>G on the plus strand (A>C on the coding strand, the complement: SCN4A is on the minus strand). VCF-style: chr17-63942987-T-G. GRCh37 (hg19) VCF-style: chr17-62020347-T-G.
Other names: short protein forms N1376T.
Identifiers: ClinVar variation 3018350 (VCV003018350.3), dbSNP rs112473871, ClinGen allele CA400616675.
Genomic context (GRCh38, chr17:63,942,987, plus strand): 5'-AAGATGATGATGAAGATCATGTTGATGTTGTACAGGATGTCCACCTTGAGCTGGCTCTGG[T>G]TGTCTGTCTCCACCATCATGGTGACCATGTTGAGGCAGATGAGGATCATGATGGTGATGT-3'
Protein context (NP_000325.4, residues 1366-1386): NMVTMMVETD[Asn1376Thr]QSQLKVDILY